The following is an entry in ClinVar:

NM_021020.5(LZTS1):c.910G>A (p.Asp304Asn)

Gene: LZTS1 (leucine zipper tumor suppressor 1; minus strand). Cytogenetic location: 8p21.3.
Variant type: single nucleotide variant.
Coding change: c.910G>A on transcript NM_021020.5 (MANE Select); coding-DNA position 910, G replaced by A.
Protein change: p.Asp304Asn; replaces aspartic acid 304 with asparagine.
Molecular consequence: missense variant.
Genome position (GRCh38, 1-based): chr8:20,253,021, C>T on the plus strand (G>A on the coding strand, the complement: LZTS1 is on the minus strand). VCF-style: chr8-20253021-C-T. GRCh37 (hg19) VCF-style: chr8-20110532-C-T.
Other names: c.910G>A, p.Asp304Asn (NM_001362884.2); short protein forms D304N.
Identifiers: ClinVar variation 2333636 (VCV002333636.5), dbSNP rs752106085, ClinGen allele CA4657407.

ClinVar aggregate classification (germline): Uncertain significance. Review status: criteria provided, multiple submitters, no conflicts (2 of 4 stars). 2 submissions from 2 submitters: Uncertain significance (2). Last evaluated 2025-08-12.

Allele frequency attached by ClinVar (database versions not stated): ExAC 0.00001; gnomAD exomes 0.00001.
gnomAD v4.1: 19 of 1,598,336 alleles (0.0012%); highest among the groups gnomAD compares: Non-Finnish European, 0.0015%; no homozygotes.

Submissions (2):

Labcorp Genetics (formerly Invitae), Labcorp
Classification: Uncertain significance. Last evaluated: 2025-08-12. Review status: criteria provided, single submitter. Criteria: Invitae Variant Classification Sherloc (09022015). Collection method: clinical testing. Allele origin: germline.
Comment: This sequence change replaces aspartic acid, which is acidic and polar, with asparagine, which is neutral and polar, at codon 304 of the LZTS1 protein (p.Asp304Asn). The frequency data for this variant in the population databases is considered unreliable, as metrics indicate poor data quality at this position in the gnomAD database. This variant has not been reported in the literature in individuals affected with LZTS1-related conditions. ClinVar contains an entry for this variant (Variation ID: 2333636). Invitae Evidence Modeling of protein sequence and biophysical properties (such as structural, functional, and spatial information, amino acid conservation, physicochemical variation, residue mobility, and thermodynamic stability) indicates that this missense variant is not expected to disrupt LZTS1 protein function with a negative predictive value of 80%. In summary, the available evidence is currently insufficient to determine the role of this variant in disease. Therefore, it has been classified as a Variant of Uncertain Significance.

Ambry Genetics
Classification: Uncertain significance. Last evaluated: 2022-12-06. Review status: criteria provided, single submitter. Criteria: Ambry Variant Classification Scheme 2023. Collection method: clinical testing. Allele origin: germline.